The following is an entry in ClinVar:

ClinVar aggregate classification (germline): Uncertain significance (1 of 4 stars; one submission).

Allele frequency attached by ClinVar (database versions not stated): gnomAD exomes 0.00001; ExAC 0.00005.

Submission:

Labcorp Genetics (formerly Invitae), Labcorp
Classification: Uncertain significance. Last evaluated: 2023-10-24. Review status: criteria provided, single submitter. Criteria: Invitae Variant Classification Sherloc (09022015). Collection method: clinical testing. Allele origin: germline.
Comment: This sequence change replaces leucine, which is neutral and non-polar, with phenylalanine, which is neutral and non-polar, at codon 11 of the PFN1 protein (p.Leu11Phe). This variant is present in population databases (rs756919408, gnomAD 0.005%). This variant has not been reported in the literature in individuals affected with PFN1-related conditions. An algorithm developed to predict the effect of missense changes on protein structure and function (PolyPhen-2) suggests that this variant is likely to be disruptive. In summary, the available evidence is currently insufficient to determine the role of this variant in disease. Therefore, it has been classified as a Variant of Uncertain Significance.

NM_005022.4(PFN1):c.31C>T (p.Leu11Phe)

Gene: PFN1 (profilin 1; minus strand). Cytogenetic location: 17p13.2.
Variant type: single nucleotide variant.
Coding change: c.31C>T on transcript NM_005022.4 (MANE Select); coding-DNA position 31, C replaced by T.
Protein change: p.Leu11Phe; replaces leucine 11 with phenylalanine.
Molecular consequence: missense variant.
Genome position (GRCh38, 1-based): chr17:4,948,364, G>A on the plus strand (C>T on the coding strand, the complement: PFN1 is on the minus strand). VCF-style: chr17-4948364-G-A. GRCh37 (hg19) VCF-style: chr17-4851659-G-A.
Other names: c.31C>T, p.Leu11Phe (NM_001375991.1); short protein forms L11F.
Identifiers: ClinVar variation 2771685 (VCV002771685.3), dbSNP rs756919408, ClinGen allele CA8315993.